The following is an entry in ClinVar:

NM_007315.4(STAT1):c.793A>G (p.Ile265Val)

Gene: STAT1 (signal transducer and activator of transcription 1; minus strand). Cytogenetic location: 2q32.2.
Variant type: single nucleotide variant.
Coding change: c.793A>G on transcript NM_007315.4 (MANE Select); coding-DNA position 793, A replaced by G.
Protein change: p.Ile265Val; replaces isoleucine 265 with valine.
Molecular consequence: missense variant. On other transcripts: intron variant (1).
Genome position (GRCh38, 1-based): chr2:190,995,212, T>C on the plus strand (A>G on the coding strand, the complement: STAT1 is on the minus strand). VCF-style: chr2-190995212-T-C. GRCh37 (hg19) VCF-style: chr2-191859938-T-C.
Other names: p.Ile265Val; c.793A>G, p.Ile265Val (NM_001384880.1, NM_001384882.1, NM_001384886.1 and 4 more transcripts); c.799A>G, p.Ile267Val (NM_001384881.1, NM_001384884.1); c.694A>G, p.Ile232Val (NM_001384883.1); c.703A>G, p.Ile235Val (NM_001384890.1); c.829A>G, p.Ile277Val (NM_001384891.1); c.785+2644A>G (NM_001384885.1); short protein forms I265V, I232V, I235V, I267V, I277V.
Identifiers: ClinVar variation 541826 (VCV000541826.40), dbSNP rs148775168, ClinGen allele CA2030135.

ClinVar aggregate classification (germline): Conflicting classifications of pathogenicity. Review status: criteria provided, conflicting classifications (1 of 4 stars). 6 submissions from 6 submitters: Uncertain significance (3); Benign (1); Likely benign (1). 1 of the submissions does not count toward it. Last evaluated 2026-01-25.

Conditions:
STAT1-related disorder. Also called: STAT1-related condition.
Autoimmune enteropathy and endocrinopathy - susceptibility to chronic infections syndrome. Also called: Immunodeficiency 31C; Immunodeficiency 31C, autosomal dominant. Identifiers: Orphanet 391487, MedGen C3279990, MONDO:0013599, OMIM 614162.
Immunodeficiency 31B. Also called: IMMUNODEFICIENCY 31B, MYCOBACTERIAL AND VIRAL INFECTIONS, AUTOSOMAL RECESSIVE; STAT1 DEFICIENCY, AUTOSOMAL RECESSIVE. Identifiers: Orphanet 391311, MedGen C3151088, MONDO:0013427, OMIM 613796.
Mendelian susceptibility to mycobacterial diseases due to partial STAT1 deficiency. Also called: IMMUNODEFICIENCY 31A, MYCOBACTERIOSIS, AUTOSOMAL DOMINANT; STAT1 DEFICIENCY, AUTOSOMAL DOMINANT; Immunodeficiency 31a. Identifiers: Orphanet 319595, MedGen C4013950, MONDO:0013956, OMIM 614892.

Allele frequency attached by ClinVar (database versions not stated): gnomAD exomes 0.00019 and 0.00046; ExAC 0.00049; ESP Exome Variant Server 0.00169; 1000 Genomes Project 30x 0.00187; 1000 Genomes Project 0.00200; gnomAD 0.00205 and 0.00223; TOPMed 0.00230.
gnomAD v4.1: 609 of 1,613,848 alleles (0.038%); highest among the groups gnomAD compares: African/African-American, 0.7%; 2 homozygotes.

Submissions (6):

Labcorp Genetics (formerly Invitae), Labcorp
Classification: Benign for Mendelian susceptibility to mycobacterial diseases due to partial STAT1 deficiency; Immunodeficiency 31B; Autoimmune enteropathy and endocrinopathy - susceptibility to chronic infections syndrome. Last evaluated: 2026-01-25. Review status: criteria provided, single submitter. Criteria: Invitae Variant Classification Sherloc (09022015). Collection method: clinical testing. Allele origin: germline.

Blueprint Genetics
Classification: Uncertain significance. Last evaluated: 2024-11-26. Review status: criteria provided, single submitter. Criteria: ACMG Guidelines, 2015. Collection method: clinical testing. Allele origin: germline.

CeGaT Center for Human Genetics Tuebingen
Classification: Likely benign. Last evaluated: 2022-12-01. Review status: criteria provided, single submitter. Criteria: CeGaT Center For Human Genetics Tuebingen Variant Classification Criteria Version 2. Collection method: clinical testing. Allele origin: germline. Affected: yes. Observed: 1 variant allele.
Comment: STAT1: PP2, BP4, BS2

Mayo Clinic Laboratories, Mayo Clinic
Classification: Uncertain significance. Last evaluated: 2022-08-12. Review status: criteria provided, single submitter. Criteria: ACMG Guidelines, 2015. Collection method: clinical testing. Allele origin: germline. Observed: 1 variant allele.
Comment: BP4, PP2

New York Genome Center
Classification: Uncertain significance for Mendelian susceptibility to mycobacterial diseases due to partial STAT1 deficiency; Immunodeficiency 31B; Autoimmune enteropathy and endocrinopathy - susceptibility to chronic infections syndrome. Last evaluated: 2021-11-23. Review status: criteria provided, single submitter. Criteria: NYGC Assertion Criteria 2020. Collection method: clinical testing. Allele origin: germline. Observed: 1 heterozygote. Study: CSER-NYCKidSeq.

PreventionGenetics, part of Exact Sciences
Classification: Likely benign for STAT1-related condition. Last evaluated: 2024-02-10. Review status: no assertion criteria provided. Collection method: clinical testing. Allele origin: germline. Not counted in ClinVar's aggregate classification.
Comment: This variant is classified as likely benign based on ACMG/AMP sequence variant interpretation guidelines (Richards et al. 2015 PMID: 25741868, with internal and published modifications).